The following is an entry in ClinVar:

NM_005908.4(MANBA):c.1830T>A (p.Asp610Glu)

Gene: MANBA (mannosidase beta; minus strand). Cytogenetic location: 4q24.
Variant type: single nucleotide variant.
Coding change: c.1830T>A on transcript NM_005908.4 (MANE Select); coding-DNA position 1830, T replaced by A.
Protein change: p.Asp610Glu; replaces aspartic acid 610 with glutamic acid.
Molecular consequence: missense variant.
Genome position (GRCh38, 1-based): chr4:102,650,576, A>T on the plus strand (T>A on the coding strand, the complement: MANBA is on the minus strand). VCF-style: chr4-102650576-A-T. GRCh37 (hg19) VCF-style: chr4-103571733-A-T.
Other names: short protein forms D610E.
Identifiers: ClinVar variation 1931673 (VCV001931673.2), dbSNP rs764967043, ClinGen allele CA3026791.

ClinVar aggregate classification (germline): Uncertain significance (1 of 4 stars; one submission).

Conditions:
Beta-D-mannosidosis (MANSB). Also called: MANNOSIDOSIS, BETA A, LYSOSOMAL; BETA-MANNOSIDASE DEFICIENCY; LYSOSOMAL BETA-MANNOSIDASE DEFICIENCY; Beta-Mannosidosis. Identifiers: Orphanet 118, MedGen C4048196, MONDO:0009562, OMIM 248510.

Allele frequency attached by ClinVar (database versions not stated): ExAC 0.00001; gnomAD exomes below 0.00001.
gnomAD v4.1: 1 of 1,613,514 alleles (0.000062%); highest among the groups gnomAD compares: East Asian, 0.0022%; no homozygotes.

Submission:

Labcorp Genetics (formerly Invitae), Labcorp
Classification: Uncertain significance for Beta-D-mannosidosis. Last evaluated: 2022-04-01. Review status: criteria provided, single submitter. Criteria: Invitae Variant Classification Sherloc (09022015). Collection method: clinical testing. Allele origin: germline.
Comment: This sequence change replaces aspartic acid, which is acidic and polar, with glutamic acid, which is acidic and polar, at codon 610 of the MANBA protein (p.Asp610Glu). This variant is present in population databases (rs764967043, gnomAD 0.006%). This variant has not been reported in the literature in individuals affected with MANBA-related conditions. Algorithms developed to predict the effect of missense changes on protein structure and function are either unavailable or do not agree on the potential impact of this missense change (SIFT: "Tolerated"; PolyPhen-2: "Possibly Damaging"; Align-GVGD: "Class C0"). In summary, the available evidence is currently insufficient to determine the role of this variant in disease. Therefore, it has been classified as a Variant of Uncertain Significance.